The following is an entry in ClinVar:

ClinVar aggregate classification (germline): Uncertain significance. Review status: criteria provided, multiple submitters, no conflicts (2 of 4 stars). 3 submissions from 3 submitters: Uncertain significance (3). Last evaluated 2026-05-27.

Conditions:
Menke-Hennekam syndrome 1 (MKHK1). Identifiers: MedGen C5193034, MONDO:0020763, OMIM 618332.
Rubinstein-Taybi syndrome due to CREBBP mutations (RSTS1). Also called: Rubinstein-Taybi syndrome 1; BROAD THUMB-HALLUX SYNDROME; RUBINSTEIN-TAYBI SYNDROME 1, INCOMPLETE; CREBBP-Related Rubinstein-Taybi Syndrome; RUBINSTEIN SYNDROME; BROAD THUMBS AND GREAT TOES, CHARACTERISTIC FACIES, AND IMPAIRED INTELLECTUAL DEVELOPMENT. Identifiers: Orphanet 353277, Orphanet 783, MedGen C4551859, MONDO:0008393, OMIM 180849.
CREBBP-related disorder. Also called: CREBBP-related condition; CREBBP-related disorders.

Allele frequency attached by ClinVar (database versions not stated): ExAC 0.00001; gnomAD exomes 0.00002; gnomAD 0.00003; TOPMed 0.00004; ESP Exome Variant Server 0.00008.
gnomAD v4.1: 71 of 1,613,310 alleles (0.0044%); highest among the groups gnomAD compares: Non-Finnish European, 0.0054%; no homozygotes.

Submissions (3):

PreventionGenetics, part of Exact Sciences
Classification: Uncertain significance for CREBBP-related condition. Last evaluated: 2026-05-27. Review status: criteria provided, single submitter. Criteria: ACMG Guidelines, 2015. Collection method: clinical testing. Allele origin: germline.
Comment: The CREBBP c.2860G>A variant is predicted to result in the amino acid substitution p.Ala954Thr. To our knowledge, this variant has not been reported in the literature. This variant is reported in 0.0053% of alleles in individuals of European (non-Finnish) descent in gnomAD. At this time, the clinical significance of this variant is uncertain due to the absence of conclusive functional and genetic evidence.

Fulgent Genetics
Classification: Uncertain significance for Rubinstein-Taybi syndrome due to CREBBP mutations; Menke-Hennekam syndrome 1. Last evaluated: 2022-04-20. Review status: criteria provided, single submitter. Criteria: ACMG Guidelines, 2015. Collection method: clinical testing. Allele origin: unknown.

Eurofins Ntd Llc (ga)
Classification: Uncertain significance. Last evaluated: 2018-03-13. Review status: criteria provided, single submitter. Criteria: EGL ClinVar v180209 classification definitions. Collection method: clinical testing. Allele origin: germline. Observed: 2 variant alleles, 2 heterozygotes.

NM_004380.3(CREBBP):c.2860G>A (p.Ala954Thr)

Gene: CREBBP (CREB binding lysine acetyltransferase; minus strand). Cytogenetic location: 16p13.3.
Variant type: single nucleotide variant.
Coding change: c.2860G>A on transcript NM_004380.3 (MANE Select); coding-DNA position 2860, G replaced by A.
Protein change: p.Ala954Thr; replaces alanine 954 with threonine.
Molecular consequence: missense variant.
Genome position (GRCh38, 1-based): chr16:3,770,590, C>T on the plus strand (G>A on the coding strand, the complement: CREBBP is on the minus strand). VCF-style: chr16-3770590-C-T. GRCh37 (hg19) VCF-style: chr16-3820591-C-T.
Other names: c.2746G>A, p.Ala916Thr (NM_001079846.1); c.2860G>A (NM_004380.2); short protein forms A954T, A916T.
Identifiers: ClinVar variation 596217 (VCV000596217.9), dbSNP rs373284909, ClinGen allele CA7870019.
Genomic context (GRCh38, chr16:3,770,590, plus strand): 5'-AGAGTCTTGGCCCAAAAACAGCAGAGACAGAGAGGCTTACCGGTGTGCCAGGAGGCTGGG[C>T]GTGCACAGGCGTCGGCTGTTGCTGCGATGACTGAGGGGTAGCCACAGACGGGGGCTGAAC-3'
Protein context (NP_004371.2, residues 944-964): SSQQQPTPVH[Ala954Thr]QPPGTPLSQA